The following is an entry in ClinVar:

NM_007255.3(B4GALT7):c.17G>C (p.Arg6Thr)

Genes: B4GALT7 (beta-1,4-galactosyltransferase 7; plus strand), LOC129995400 (ATAC-STARR-seq lymphoblastoid silent region 16704; plus strand). Cytogenetic location: 5q35.3.
Variant type: single nucleotide variant.
Coding change: c.17G>C on transcript NM_007255.3 (MANE Select); coding-DNA position 17, G replaced by C.
Protein change: p.Arg6Thr; replaces arginine 6 with threonine.
Molecular consequence: missense variant.
Genome position (GRCh38, 1-based): chr5:177,600,227, G>C. VCF-style: chr5-177600227-G-C. GRCh37 (hg19) VCF-style: chr5-177027228-G-C.
Other names: short protein forms R6T.
Identifiers: ClinVar variation 4759193 (VCV004759193.1).

ClinVar aggregate classification (germline): Uncertain significance (1 of 4 stars; one submission).

Conditions:
Spondylodysplastic Ehlers-Danlos syndrome. Identifiers: Orphanet 536471, Orphanet 75496, MedGen C5680154, MONDO:0007526.

Submission:

Labcorp Genetics (formerly Invitae), Labcorp
Classification: Uncertain significance for Spondylodysplastic Ehlers-Danlos syndrome. Last evaluated: 2025-12-09. Review status: criteria provided, single submitter. Criteria: Invitae Variant Classification Sherloc (09022015). Collection method: clinical testing. Allele origin: germline.
Comment: This sequence change replaces arginine, which is basic and polar, with threonine, which is neutral and polar, at codon 6 of the B4GALT7 protein (p.Arg6Thr). This variant is not present in population databases (gnomAD no frequency). This variant has not been reported in the literature in individuals affected with B4GALT7-related conditions. An algorithm developed to predict the effect of missense changes on protein structure and function (PolyPhen-2) suggests that this variant is likely to be tolerated. In summary, the available evidence is currently insufficient to determine the role of this variant in disease. Therefore, it has been classified as a Variant of Uncertain Significance.